The following is an entry in ClinVar:

ClinVar aggregate classification (germline): Likely benign (1 of 4 stars; one submission).

gnomAD v4.1: 1 of 1,613,702 alleles (0.000062%); highest among the groups gnomAD compares: Non-Finnish European, 0.000085%; no homozygotes.

Submission:

GeneDx
Classification: Likely benign. Last evaluated: 2015-12-07. Review status: criteria provided, single submitter. Criteria: GeneDx Variant Classification (06012015). Collection method: clinical testing. Allele origin: germline. Affected: yes.
Comment: This variant is considered likely benign or benign based on one or more of the following criteria: it is a conservative change, it occurs at a poorly conserved position in the protein, it is predicted to be benign by multiple in silico algorithms, and/or has population frequency not consistent with disease.

NM_004287.5(GOSR2):c.249G>T (p.Ala83=)

Genes: GOSR2 (golgi SNAP receptor complex member 2; plus strand), LRRC37A2 (leucine rich repeat containing 37 member A2), LOC126862578 (BRD4-independent group 4 enhancer GRCh37_chr17:45008344-45009543; plus strand). Cytogenetic location: 17q21.32.
Variant type: single nucleotide variant.
Coding change: c.249G>T on transcript NM_004287.5 (MANE Select); coding-DNA position 249, G replaced by T.
Protein change: p.Ala83=; no amino-acid change (alanine 83 retained).
Molecular consequence: synonymous variant. On other transcripts: non-coding transcript variant (3).
Genome position (GRCh38, 1-based): chr17:46,932,112, G>T. VCF-style: chr17-46932112-G-T. GRCh37 (hg19) VCF-style: chr17-45009478-G-T.
Other names: c.249G>T, p.Ala83= (NM_001012511.3, NM_001321133.2, NM_001330252.2 and 1 more transcripts); c.195G>T, p.Ala65= (NM_001321134.2, NM_001363851.2); c.246G>T, p.Ala82= (NM_001353114.2, NM_001353115.2, NM_001353116.2).
Identifiers: ClinVar variation 379391 (VCV000379391.1), dbSNP rs1057520593, ClinGen allele CA16607694.